The following is an entry in ClinVar:

NM_024753.5(TTC21B):c.1621A>G (p.Lys541Glu)

Gene: TTC21B (tetratricopeptide repeat domain 21B; minus strand). Cytogenetic location: 2q24.3.
Variant type: single nucleotide variant.
Coding change: c.1621A>G on transcript NM_024753.5 (MANE Select); coding-DNA position 1621, A replaced by G.
Protein change: p.Lys541Glu; replaces lysine 541 with glutamic acid.
Molecular consequence: missense variant.
Genome position (GRCh38, 1-based): chr2:165,919,329, T>C on the plus strand (A>G on the coding strand, the complement: TTC21B is on the minus strand). VCF-style: chr2-165919329-T-C. GRCh37 (hg19) VCF-style: chr2-166775839-T-C.
Other names: short protein forms K541E.
Identifiers: ClinVar variation 1520182 (VCV001520182.8), dbSNP rs2105329308, ClinGen allele CA349060874.
Genomic context (GRCh38, chr2:165,919,329, plus strand): 5'-TACTTACCTTAAAATCATAGCTCAGACAAAGTTCAAGAGACTGAGAACACAATTTGACTT[T>C]TTCTTGAGACAAGTAAACCTGAGCTAGCAGCAGATGAGCATCAGCATAAGAGGGATTGTG-3'
Protein context (NP_079029.3, residues 531-551): LLAQVYLSQE[Lys541Glu]VKLCSQSLEL

ClinVar aggregate classification (germline): Uncertain significance (1 of 4 stars; one submission).

Conditions:
Nephronophthisis. Also called: Juvenile Nephronophthisis. Identifiers: Orphanet 655, MedGen C0687120, MONDO:0019005, HP:0000090.
Jeune thoracic dystrophy. Also called: Jeune syndrome; Infantile thoracic dystrophy; Thoracic pelvic phalangeal dystrophy; Jeune's syndrome; Chondroectodermal dysplasia-like syndrome; Short-rib thoracic dysplasia. Identifiers: Orphanet 474, MedGen C0265275, MONDO:0018770.

Submission:

Labcorp Genetics (formerly Invitae), Labcorp
Classification: Uncertain significance for Jeune thoracic dystrophy; Nephronophthisis. Last evaluated: 2022-03-16. Review status: criteria provided, single submitter. Criteria: Invitae Variant Classification Sherloc (09022015). Collection method: clinical testing. Allele origin: germline.
Comment: In summary, the available evidence is currently insufficient to determine the role of this variant in disease. Therefore, it has been classified as a Variant of Uncertain Significance. Algorithms developed to predict the effect of missense changes on protein structure and function (SIFT, PolyPhen-2, Align-GVGD) all suggest that this variant is likely to be tolerated. This variant has not been reported in the literature in individuals affected with TTC21B-related conditions. This variant is not present in population databases (gnomAD no frequency). This sequence change replaces lysine, which is basic and polar, with glutamic acid, which is acidic and polar, at codon 541 of the TTC21B protein (p.Lys541Glu).